The following is an entry in ClinVar:

ClinVar aggregate classification (germline): Uncertain significance (1 of 4 stars; one submission).

Allele frequency attached by ClinVar (database versions not stated): ExAC 0.00001; gnomAD exomes 0.00001.

Submission:

Labcorp Genetics (formerly Invitae), Labcorp
Classification: Uncertain significance. Last evaluated: 2025-08-04. Review status: criteria provided, single submitter. Criteria: Invitae Variant Classification Sherloc (09022015). Collection method: clinical testing. Allele origin: germline.
Comment: This sequence change replaces aspartic acid, which is acidic and polar, with histidine, which is basic and polar, at codon 933 of the PITPNM3 protein (p.Asp933His). This variant is present in population databases (rs777178487, gnomAD 0.006%). This variant has not been reported in the literature in individuals affected with PITPNM3-related conditions. ClinVar contains an entry for this variant (Variation ID: 1354240). An algorithm developed to predict the effect of missense changes on protein structure and function (PolyPhen-2) suggests that this variant is likely to be tolerated. In summary, the available evidence is currently insufficient to determine the role of this variant in disease. Therefore, it has been classified as a Variant of Uncertain Significance.

NM_031220.4(PITPNM3):c.2797G>C (p.Asp933His)

Gene: PITPNM3 (PITPNM family member 3; minus strand). Cytogenetic location: 17p13.2.
Variant type: single nucleotide variant.
Coding change: c.2797G>C on transcript NM_031220.4 (MANE Select); coding-DNA position 2797, G replaced by C.
Protein change: p.Asp933His; replaces aspartic acid 933 with histidine.
Molecular consequence: missense variant.
Genome position (GRCh38, 1-based): chr17:6,455,466, C>G on the plus strand (G>C on the coding strand, the complement: PITPNM3 is on the minus strand). VCF-style: chr17-6455466-C-G. GRCh37 (hg19) VCF-style: chr17-6358786-C-G.
Other names: c.2689G>C, p.Asp897His (NM_001165966.2); short protein forms D933H, D897H.
Identifiers: ClinVar variation 1354240 (VCV001354240.8), dbSNP rs777178487, ClinGen allele CA8329014.